The following is an entry in ClinVar:

ClinVar aggregate classification (germline): Conflicting classifications of pathogenicity. Review status: criteria provided, conflicting classifications (1 of 4 stars). 2 submissions from 2 submitters: Uncertain significance (1); Likely benign (1). Last evaluated 2026-01-18.

Allele frequency attached by ClinVar (database versions not stated): gnomAD exomes below 0.00001.
gnomAD v4.1: 1 of 1,612,270 alleles (0.000062%); no homozygotes.

Submissions (2):

Labcorp Genetics (formerly Invitae), Labcorp
Classification: Likely benign. Last evaluated: 2026-01-18. Review status: criteria provided, single submitter. Criteria: Invitae Variant Classification Sherloc (09022015). Collection method: clinical testing. Allele origin: germline.

GeneDx
Classification: Uncertain significance. Last evaluated: 2019-11-13. Review status: criteria provided, single submitter. Criteria: GeneDx Variant Classification Process June 2021. Collection method: clinical testing. Allele origin: germline. Affected: yes.
Comment: Not observed at a significant frequency in large population cohorts (Lek et al., 2016); In silico analysis, which includes splice predictors and evolutionary conservation, supports a deleterious effect; In the absence of RNA/functional studies, the actual effect of this sequence change is unknown; Has not been previously published as pathogenic or benign to our knowledge

NM_006767.4(LZTR1):c.2326-11T>G

Gene: LZTR1 (leucine zipper like post translational regulator 1; plus strand). Cytogenetic location: 22q11.21.
Variant type: single nucleotide variant.
Coding change: c.2326-11T>G on transcript NM_006767.4 (MANE Select); 11 bases into the intron before coding-DNA position 2326, T replaced by G.
Molecular consequence: intron variant.
Genome position (GRCh38, 1-based): chr22:20,996,875, T>G. VCF-style: chr22-20996875-T-G. GRCh37 (hg19) VCF-style: chr22-21351164-T-G.
Identifiers: ClinVar variation 1309619 (VCV001309619.6), dbSNP rs1421950903, ClinGen allele CA638942619.